The following is an entry in ClinVar:

NM_001384732.1(CPLANE1):c.8150_8151del (p.Gly2717fs)

Gene: CPLANE1 (ciliogenesis and planar polarity effector complex subunit 1; minus strand). Cytogenetic location: 5p13.2.
Variant type: Deletion.
Coding change: c.8150_8151del on transcript NM_001384732.1 (MANE Select); coding-DNA positions 8150 to 8151, 2 bases deleted (GA; older notation c.8150_8151delGA).
Protein change: p.Gly2717fs; shifts the reading frame from glycine 2717.
Molecular consequence: frameshift variant.
Genome position (GRCh38, 1-based): chr5:37,153,962-37,153,963, TC deleted on the plus strand (GA on the coding strand, the reverse complement: CPLANE1 is on the minus strand). VCF-style (leftmost placement, unchanged base first): chr5-37153961-GTC-G. GRCh37 (hg19) VCF-style: chr5-37154063-GTC-G.
Other names: c.7988_7989delGA (NM_023073.3); c.7988_7989del, p.Gly2663fs (NM_023073.4); short protein forms G2717fs.
Identifiers: ClinVar variation 183307 (VCV000183307.13), dbSNP rs730882217, ClinGen allele CA249930.

ClinVar aggregate classification (germline): Pathogenic. Review status: criteria provided, multiple submitters, no conflicts (2 of 4 stars). 9 submissions from 8 submitters: Pathogenic (7). 2 of the submissions do not count toward it. Last evaluated 2025-08-13.

Conditions:
C5ORF42-related disorders.
CPLANE1-related disorder. Also called: CPLANE1-related condition.
Orofaciodigital syndrome type 6 (OFD6). Also called: Oral-facial-digital syndrome type 6; Central polydactyly cleft lip/palate or lingual lump and psychomotor retardation; Y-shaped central metacarpal and cerebellar defect; Joubert syndrome with orofacialdigital anomalies; OROFACIODIGITAL SYNDROME VI; OFDS VI. Identifiers: Orphanet 2754, MedGen C2745997, MONDO:0010176, OMIM 277170.
Joubert syndrome 17 (JBTS17). Identifiers: Orphanet 475, MedGen C3553264, MONDO:0013824, OMIM 614615.
Global developmental delay (DD). Also called: Cognitive delay. Identifiers: MedGen C0557874, HP:0001263. Disease mechanism: loss of function.
Typical Joubert syndrome MRI findings. Identifiers: MedGen CN228298.

Submissions (9):

PreventionGenetics, part of Exact Sciences
Classification: Pathogenic for CPLANE1-related condition. Last evaluated: 2025-08-13. Review status: criteria provided, single submitter. Criteria: ACMG Guidelines, 2015. Collection method: clinical testing. Allele origin: germline.
Comment: The CPLANE1 c.7988_7989delGA variant is predicted to result in a frameshift and premature protein termination (p.Gly2663Alafs*40). This variant has been reported in the homozygous state in multiple individuals with Joubert syndrome and related disorders (see for example, Alazami et al. 2012. PubMed ID: 22693042; Table S3, Shaheen et al. 2016. PubMed ID: 27894351; Table S1, Monies et al. 2019. PubMed ID: 31130284; Table S6, Bachmann-Gagescu et al. 2015. PubMed ID: 26092869). This variant has not been reported in a large population database (gnomAD), indicating this variant is rare. Frameshift variants in CPLANE1 are expected to be pathogenic. This variant is interpreted as pathogenic.

Genomic Medicine Center of Excellence, King Faisal Specialist Hospital and Research Centre
Classification: Pathogenic for Orofaciodigital syndrome type 6. Last evaluated: 2024-03-25. Review status: criteria provided, single submitter. Criteria: ACMG Guidelines, 2015. Collection method: clinical testing. Allele origin: germline.

Blueprint Genetics
Classification: Pathogenic for C5ORF42-related disorders. Last evaluated: 2021-02-02. Review status: criteria provided, single submitter. Criteria: ACMG Guidelines, 2015. Collection method: clinical testing. Allele origin: germline. Affected: yes. Observed: 3 variant alleles.

Revvity Omics, Revvity
Classification: Pathogenic. Last evaluated: 2020-07-10. Review status: criteria provided, single submitter. Criteria: ACMG Guidelines, 2015. Collection method: clinical testing. Allele origin: germline.

GeneDx
Classification: Pathogenic. Last evaluated: 2016-05-06. Review status: criteria provided, single submitter. Criteria: GeneDx Variant Classification (06012015). Collection method: clinical testing. Allele origin: germline. Affected: yes.
Comment: The c.7988_7989delGA pathogenic variant in the C5orf42 gene has been reported previously in association with autosomal recessive Joubert syndrome and related disorders (JSRD) when present in the homozygous state (Alazami et al., 2012; Bachmann-Gagescu et al., 2015). The c.7988_7989delGA variant causes a frameshift starting with codon Glycine 2663, changes this amino acid to an Alanine residue, and creates a premature Stop codon at position 40 of the new reading frame, denoted p.Gly2663AlafsX40. This variant is predicted to cause loss of normal protein function either through protein truncation or nonsense-mediated mRNA decay. The c.7988_7989delGA variant was not observed in approximately 6500 individuals of European and African American ancestry in the NHLBI Exome Sequencing Project, indicating it is not a common benign variant in these populations. We interpret c.7988_7989delGA as a pathogenic variant.

Genetic Services Laboratory, University of Chicago
Classification: Pathogenic for Joubert syndrome 17. Last evaluated: 2015-08-17. Review status: criteria provided, single submitter. Criteria: ACMG Guidelines, 2015. Collection method: clinical testing. Allele origin: germline. Affected: yes.

UW Hindbrain Malformation Research Program, University of Washington
Classification: Pathogenic for Joubert syndrome 17. Last evaluated: 2015-02-23. Review status: criteria provided, single submitter. Criteria: Bachmann-Gagescu et al. (J Med Genet. 2015). Collection method: research. Allele origin: unknown. Affected: yes.

Biochemical Molecular Genetic Laboratory, King Abdulaziz Medical City
Classification: Pathogenic for Joubert syndrome 17. Last evaluated: 2019-01-29. Review status: no assertion criteria provided. Collection method: clinical testing. Allele origin: germline. Affected: yes. Not counted in ClinVar's aggregate classification.

Genomic Medicine Center of Excellence, King Faisal Specialist Hospital and Research Centre
Classification: Likely pathogenic for Global developmental delay; Typical Joubert syndrome MRI findings. Last evaluated: 2014-12-01. Review status: no assertion criteria provided. Criteria: research. Collection method: research. Allele origin: germline. Affected: yes. Not counted in ClinVar's aggregate classification.

Literature cited by the submitters: PubMed 25558065 (cited by Genomic Medicine Center of Excellence, King Faisal Specialist Hospital and Research Centre).